The following is an entry in ClinVar:

ClinVar aggregate classification (germline): Uncertain significance (1 of 4 stars; one submission).

Conditions:
SPNS2-related disorder. Also called: SPNS2-related condition.

gnomAD v4.1: 351 of 1,601,460 alleles (0.022%); highest among the groups gnomAD compares: Non-Finnish European, 0.026%; no homozygotes.

Submission:

PreventionGenetics, part of Exact Sciences
Classification: Uncertain significance for SPNS2-related condition. Last evaluated: 2026-06-29. Review status: criteria provided, single submitter. Criteria: ACMG Guidelines, 2015. Collection method: clinical testing. Allele origin: germline.
Comment: The SPNS2 c.1589G>A variant is predicted to result in the amino acid substitution p.Arg530His. To our knowledge, this variant has not been reported in the literature. This variant is reported in 0.040% of alleles in individuals of Ashkenazi Jewish descent in gnomAD. At this time, the clinical significance of this variant is uncertain due to the absence of conclusive functional and genetic evidence.

NM_001124758.3(SPNS2):c.1589G>A (p.Arg530His)

Gene: SPNS2 (SPNS lysolipid transporter 2, sphingosine-1-phosphate; plus strand). Cytogenetic location: 17p13.2.
Variant type: single nucleotide variant.
Coding change: c.1589G>A on transcript NM_001124758.3 (MANE Select); coding-DNA position 1589, G replaced by A.
Protein change: p.Arg530His; replaces arginine 530 with histidine.
Molecular consequence: missense variant.
Genome position (GRCh38, 1-based): chr17:4,536,408, G>A. VCF-style: chr17-4536408-G-A. GRCh37 (hg19) VCF-style: chr17-4439703-G-A.
Other names: short protein forms R530H.
Identifiers: ClinVar variation 4982562 (VCV004982562.1).